The following is an entry in ClinVar:

NM_153717.3(EVC):c.547A>G (p.Ser183Gly)

Gene: EVC (EvC ciliary complex subunit 1; plus strand). Cytogenetic location: 4p16.2.
Variant type: single nucleotide variant.
Coding change: c.547A>G on transcript NM_153717.3 (MANE Select); coding-DNA position 547, A replaced by G.
Protein change: p.Ser183Gly; replaces serine 183 with glycine.
Molecular consequence: missense variant.
Genome position (GRCh38, 1-based): chr4:5,731,587, A>G. VCF-style: chr4-5731587-A-G. GRCh37 (hg19) VCF-style: chr4-5733314-A-G.
Other names: c.547A>G, p.Ser183Gly (NM_001306090.2, NM_001306092.2); short protein forms S183G.
Identifiers: ClinVar variation 2079237 (VCV002079237.2), dbSNP rs941367607, ClinGen allele CA91720249.

ClinVar aggregate classification (germline): Uncertain significance (1 of 4 stars; one submission).

Conditions:
Curry-Hall syndrome (WAD). Also called: WEYERS ACRODENTAL DYSOSTOSIS. Identifiers: Orphanet 952, MedGen C0457013, MONDO:0008673, OMIM 193530.
Ellis-van Creveld syndrome (EVC). Also called: EVC2-Related Ellis-van Creveld Syndrome; EVC-Related Ellis-van Creveld Syndrome; Chondroectodermal dysplasia; MESOECTODERMAL DYSPLASIA. Identifiers: Orphanet 289, MedGen C0013903, MONDO:0009162, OMIM 225500.

Allele frequency attached by ClinVar (database versions not stated): TOPMed below 0.00001.

Submission:

Labcorp Genetics (formerly Invitae), Labcorp
Classification: Uncertain significance for Curry-Hall syndrome; Ellis-van Creveld syndrome. Last evaluated: 2026-01-05. Review status: criteria provided, single submitter. Criteria: Invitae Variant Classification Sherloc (09022015). Collection method: clinical testing. Allele origin: germline.
Comment: This sequence change replaces serine, which is neutral and polar, with glycine, which is neutral and non-polar, at codon 183 of the EVC protein (p.Ser183Gly). This variant is not present in population databases (gnomAD no frequency). This variant has not been reported in the literature in individuals affected with EVC-related conditions. ClinVar contains an entry for this variant (Variation ID: 2079237). Invitae Evidence Modeling of protein sequence and biophysical properties (such as structural, functional, and spatial information, amino acid conservation, physicochemical variation, residue mobility, and thermodynamic stability) has been performed for this missense variant. However, the output from this modeling did not meet the statistical confidence thresholds required to predict the impact of this variant on EVC protein function. In summary, the available evidence is currently insufficient to determine the role of this variant in disease. Therefore, it has been classified as a Variant of Uncertain Significance.